The following is an entry in ClinVar:

NM_001267550.2(TTN):c.78923G>A (p.Trp26308Ter)

Genes: TTN (titin; minus strand), TTN-AS1 (TTN antisense RNA 1; plus strand). Cytogenetic location: 2q31.2.
Variant type: single nucleotide variant.
Coding change: c.78923G>A on transcript NM_001267550.2 (MANE Select); coding-DNA position 78923, G replaced by A.
Protein change: p.Trp26308Ter; replaces tryptophan 26308 with a stop codon.
Molecular consequence: nonsense.
Genome position (GRCh38, 1-based): chr2:178,567,209, C>T on the plus strand (G>A on the coding strand, the complement: TTN is on the minus strand). VCF-style: chr2-178567209-C-T. GRCh37 (hg19) VCF-style: chr2-179431936-C-T.
Other names: c.74000G>A, p.Trp24667Ter (NM_001256850.1); c.51728G>A, p.Trp17243Ter (NM_003319.4); c.71219G>A, p.Trp23740Ter (NM_133378.4); c.52103G>A, p.Trp17368Ter (NM_133432.3); c.52304G>A, p.Trp17435Ter (NM_133437.4); short protein forms W17243*, W17368*, W17435*, W23740*, W24667*, W26308*.
Identifiers: ClinVar variation 3757498 (VCV003757498.2).

ClinVar aggregate classification (germline): Likely pathogenic (1 of 4 stars; one submission).

Conditions:
Dilated cardiomyopathy 1G (CMD1G). Identifiers: Orphanet 154, MedGen C1858763, MONDO:0011400, OMIM 604145.
Autosomal recessive limb-girdle muscular dystrophy type 2J (LGMDR10). Also called: Limb-girdle muscular dystrophy, type 2J; MUSCULAR DYSTROPHY, LIMB-GIRDLE, AUTOSOMAL RECESSIVE 10. Identifiers: Orphanet 140922, MedGen C1837342, MONDO:0012127, OMIM 608807.

Submission:

Labcorp Genetics (formerly Invitae), Labcorp
Classification: Likely pathogenic for Dilated cardiomyopathy 1G; Autosomal recessive limb-girdle muscular dystrophy type 2J. Last evaluated: 2024-07-31. Review status: criteria provided, single submitter. Criteria: Invitae Variant Classification Sherloc (09022015). Collection method: clinical testing. Allele origin: germline.
Comment: This sequence change creates a premature translational stop signal (p.Trp26308*) in the TTN gene. While this is not anticipated to result in nonsense mediated decay, it is expected to create a truncated TTN protein. This variant is not present in population databases (gnomAD no frequency). This variant has not been reported in the literature in individuals affected with TTN-related conditions. This variant is located in the A band of TTN (PMID: 25589632). Truncating variants in this region are significantly overrepresented in patients affected with dilated cardiomyopathy (PMID: 25589632). Truncating variants in this region have also been reported in individuals affected with autosomal recessive centronuclear myopathy (PMID: 23975875). In summary, the currently available evidence indicates that the variant is pathogenic, but additional data are needed to prove that conclusively. Therefore, this variant has been classified as Likely Pathogenic.

Literature cited by the submitters: PubMed 25589632; PubMed 23975875.